The following is an entry in ClinVar:

NM_001854.4(COL11A1):c.660T>C (p.Ile220=)

Gene: COL11A1 (collagen type XI alpha 1 chain; minus strand). Cytogenetic location: 1p21.1.
Variant type: single nucleotide variant.
Coding change: c.660T>C on transcript NM_001854.4 (MANE Select); coding-DNA position 660, T replaced by C.
Protein change: p.Ile220=; no amino-acid change (isoleucine 220 retained).
Molecular consequence: synonymous variant. On other transcripts: non-coding transcript variant (1).
Genome position (GRCh38, 1-based): chr1:103,031,236, A>G on the plus strand (T>C on the coding strand, the complement: COL11A1 is on the minus strand). VCF-style: chr1-103031236-A-G. GRCh37 (hg19) VCF-style: chr1-103496792-A-G.
Other names: p.Ile220=; c.660T>C, p.Ile220= (NM_001190709.2, NM_080629.3, NM_080630.4).
Identifiers: ClinVar variation 93969 (VCV000093969.26), dbSNP rs71664966, ClinGen allele CA147522.

ClinVar aggregate classification (germline): Benign. Review status: criteria provided, multiple submitters, no conflicts (2 of 4 stars). 13 submissions from 12 submitters: Benign (10). 3 of the submissions do not count toward it. Last evaluated 2026-05-09.

Conditions:
Fibrochondrogenesis 1 (FBCG1). Identifiers: Orphanet 2021, MedGen C3278138, MONDO:0009226, OMIM 228520.
Stickler syndrome type 2 (STL2). Also called: STICKLER SYNDROME, BEADED VITREOUS TYPE; STICKLER SYNDROME, VITREOUS TYPE 2; STICKLER SYNDROME, TYPE II; COL11A1-Related Stickler Syndrome. Identifiers: Orphanet 828, Orphanet 90654, MedGen C1858084, MONDO:0011493, OMIM 604841.

Allele frequency attached by ClinVar (database versions not stated): gnomAD exomes 0.06320 and 0.07056; ExAC 0.07264; TOPMed 0.08125; ESP Exome Variant Server 0.08182; 1000 Genomes Project 0.08227; 1000 Genomes Project 30x 0.08401; gnomAD 0.11088 and 0.11118.
gnomAD v4.1: 104,245 of 1,560,958 alleles (6.7%); highest among the groups gnomAD compares: African/African-American, 14%; 3,699 homozygotes.

Submissions (13):

Women's Health and Genetics/Laboratory Corporation of America, LabCorp
Classification: Benign. Last evaluated: 2026-05-09. Review status: criteria provided, single submitter. Criteria: LabCorp Variant Classification Summary - May 2015. Collection method: clinical testing. Allele origin: germline.

Labcorp Genetics (formerly Invitae), Labcorp
Classification: Benign. Last evaluated: 2026-02-04. Review status: criteria provided, single submitter. Criteria: Invitae Variant Classification Sherloc (09022015). Collection method: clinical testing. Allele origin: germline.

Blueprint Genetics
Classification: Benign. Last evaluated: 2024-11-26. Review status: criteria provided, single submitter. Criteria: ACMG Guidelines, 2015. Collection method: clinical testing. Allele origin: germline.

Mayo Clinic Laboratories, Mayo Clinic
Classification: Benign. Last evaluated: 2022-04-22. Review status: criteria provided, single submitter. Criteria: ACMG Guidelines, 2015. Collection method: clinical testing. Allele origin: germline. Observed: 22 variant alleles.

Illumina Laboratory Services, Illumina
Classification: Benign for Stickler syndrome type 2. Last evaluated: 2018-01-13. Review status: criteria provided, single submitter. Criteria: ICSL Variant Classification Criteria 13 December 2019. Collection method: clinical testing. Allele origin: germline.
Comment: This variant was observed in the ICSL laboratory as part of a predisposition screen in an ostensibly healthy population. It had not been previously curated by ICSL or reported in the Human Gene Mutation Database (HGMD: prior to June 1st, 2018), and was therefore a candidate for classification through an automated scoring system. Utilizing variant allele frequency, disease prevalence and penetrance estimates, and inheritance mode, an automated score was calculated to assess if this variant is too frequent to cause the disease. Based on the score and internal cut-off values, a variant classified as benign is not then subjected to further curation. The score for this variant resulted in a classification of benign for this disease.

Illumina Laboratory Services, Illumina
Classification: Benign for Fibrochondrogenesis 1. Last evaluated: 2018-01-13. Review status: criteria provided, single submitter. Criteria: ICSL Variant Classification Criteria 13 December 2019. Collection method: clinical testing. Allele origin: germline.
Comment: the same text as in the submission from Illumina Laboratory Services, Illumina above.

GeneDx
Classification: Benign. Last evaluated: 2016-10-04. Review status: criteria provided, single submitter. Criteria: GeneDx Variant Classification (06012015). Collection method: clinical testing. Allele origin: germline. Affected: yes.
Comment: This variant is considered likely benign or benign based on one or more of the following criteria: it is a conservative change, it occurs at a poorly conserved position in the protein, it is predicted to be benign by multiple in silico algorithms, and/or has population frequency not consistent with disease.

Eurofins Ntd Llc (ga)
Classification: Benign. Last evaluated: 2013-09-26. Review status: criteria provided, single submitter. Criteria: EGL Classification Definitions 2015. Collection method: clinical testing. Allele origin: germline. Observed: 4 variant alleles, 4 heterozygotes.

Breakthrough Genomics
Classification: Benign. Review status: criteria provided, single submitter. Criteria: ACMG Guidelines, 2015. Collection method: not provided. Allele origin: germline. Inheritance: Autosomal recessive inheritance. Affected: yes.

PreventionGenetics, part of Exact Sciences
Classification: Benign. Review status: criteria provided, single submitter. Criteria: ACMG Guidelines, 2015. Collection method: clinical testing. Allele origin: germline.

Clinical Genetics DNA and cytogenetics Diagnostics Lab, Erasmus MC, Erasmus Medical Center
Classification: Benign. Review status: no assertion criteria provided. Collection method: clinical testing. Allele origin: germline. Affected: yes. Study: VKGL Data-share Consensus. Not counted in ClinVar's aggregate classification.

Genome Diagnostics Laboratory, Amsterdam University Medical Center
Classification: Benign. Review status: no assertion criteria provided. Collection method: clinical testing. Allele origin: germline. Affected: yes. Study: VKGL Data-share Consensus. Not counted in ClinVar's aggregate classification.

Joint Genome Diagnostic Labs from Nijmegen and Maastricht, Radboudumc and MUMC+
Classification: Benign. Review status: no assertion criteria provided. Collection method: clinical testing. Allele origin: germline. Affected: yes. Study: VKGL Data-share Consensus. Not counted in ClinVar's aggregate classification.